The following is an entry in ClinVar:

ClinVar aggregate classification (germline): Uncertain significance. Review status: criteria provided, multiple submitters, no conflicts (2 of 4 stars). 3 submissions from 3 submitters: Uncertain significance (3). Last evaluated 2025-12-08.

Conditions:
Amelocerebrohypohidrotic syndrome (KTZS). Also called: Kohlschutter's syndrome; EPILEPSY AND YELLOW TEETH; EPILEPSY, DEMENTIA, AND AMELOGENESIS IMPERFECTA; KOHLSCHUTTER SYNDROME. Identifiers: Orphanet 1946, MedGen C0406740, MONDO:0009185, OMIM 226750.
Inborn genetic diseases. Identifiers: MedGen C0950123, MeSH D030342.

gnomAD v4.1: 19 of 1,613,588 alleles (0.0012%); highest among the groups gnomAD compares: Non-Finnish European, 0.0016%; no homozygotes.

Submissions (3):

Ambry Genetics
Classification: Uncertain significance for Inborn genetic diseases. Last evaluated: 2025-12-08. Review status: criteria provided, single submitter. Criteria: Ambry Variant Classification Scheme 2023. Collection method: clinical testing. Allele origin: germline.

Labcorp Genetics (formerly Invitae), Labcorp
Classification: Uncertain significance for Amelocerebrohypohidrotic syndrome. Last evaluated: 2021-08-31. Review status: criteria provided, single submitter. Criteria: Invitae Variant Classification Sherloc (09022015). Collection method: clinical testing. Allele origin: germline.
Comment: This sequence change replaces valine with leucine at codon 250 of the ROGDI protein (p.Val250Leu). The valine residue is highly conserved and there is a small physicochemical difference between valine and leucine. This variant is not present in population databases (ExAC no frequency). This variant has not been reported in the literature in individuals affected with ROGDI-related conditions. Algorithms developed to predict the effect of missense changes on protein structure and function (SIFT, PolyPhen-2, Align-GVGD) all suggest that this variant is likely to be tolerated. In summary, the available evidence is currently insufficient to determine the role of this variant in disease. Therefore, it has been classified as a Variant of Uncertain Significance.

GeneDx
Classification: Uncertain significance. Last evaluated: 2020-01-06. Review status: criteria provided, single submitter. Criteria: GeneDx Variant Classification Process June 2021. Collection method: clinical testing. Allele origin: germline. Affected: yes.
Comment: In silico analysis, which includes protein predictors and evolutionary conservation, supports that this variant does not alter protein structure/function; Has not been previously published as pathogenic or benign to our knowledge

NM_024589.3(ROGDI):c.748G>C (p.Val250Leu)

Gene: ROGDI (rogdi atypical leucine zipper; minus strand). Cytogenetic location: 16p13.3.
Variant type: single nucleotide variant.
Coding change: c.748G>C on transcript NM_024589.3 (MANE Select); coding-DNA position 748, G replaced by C.
Protein change: p.Val250Leu; replaces valine 250 with leucine.
Molecular consequence: missense variant. On other transcripts: non-coding transcript variant (1).
Genome position (GRCh38, 1-based): chr16:4,797,788, C>G on the plus strand (G>C on the coding strand, the complement: ROGDI is on the minus strand). VCF-style: chr16-4797788-C-G. GRCh37 (hg19) VCF-style: chr16-4847789-C-G.
Other names: c.748G>C (NM_024589.1); short protein forms V250L.
Identifiers: ClinVar variation 1053309 (VCV001053309.8), dbSNP rs749565672, ClinGen allele CA277135569.